The following is an entry in ClinVar:

ClinVar aggregate classification (germline): Likely benign (1 of 4 stars; one submission).

gnomAD v4.1: 5 of 1,613,492 alleles (0.00031%); highest among the groups gnomAD compares: Admixed American, 0.0033%; no homozygotes.

Submission:

CeGaT Center for Human Genetics Tuebingen
Classification: Likely benign. Last evaluated: 2026-06-01. Review status: criteria provided, single submitter. Criteria: CeGaT Center For Human Genetics Tuebingen Variant Classification Criteria Version 2. Collection method: clinical testing. Allele origin: germline. Affected: yes. Observed: 1 variant allele.
Comment: NBEA: BP4, BP7

NM_001385012.1(NBEA):c.5262A>G (p.Pro1754=)

Gene: NBEA (neurobeachin; plus strand). Cytogenetic location: 13q13.3.
Variant type: single nucleotide variant.
Coding change: c.5262A>G on transcript NM_001385012.1 (MANE Select); coding-DNA position 5262, A replaced by G.
Protein change: p.Pro1754=; no amino-acid change (proline 1754 retained).
Molecular consequence: synonymous variant.
Genome position (GRCh38, 1-based): chr13:35,196,198, A>G. VCF-style: chr13-35196198-A-G. GRCh37 (hg19) VCF-style: chr13-35770335-A-G.
Other names: c.5253A>G, p.Pro1751= (NM_001379245.1); c.5262A>G, p.Pro1754= (NM_015678.5).
Identifiers: ClinVar variation 4875048 (VCV004875048.2).